The following is an entry in ClinVar:

ClinVar aggregate classification (germline): Uncertain significance (1 of 4 stars; one submission).

Conditions:
Nephronophthisis. Also called: Juvenile Nephronophthisis. Identifiers: Orphanet 655, MedGen C0687120, MONDO:0019005, HP:0000090.

Submission:

Labcorp Genetics (formerly Invitae), Labcorp
Classification: Uncertain significance for Nephronophthisis. Last evaluated: 2022-03-24. Review status: criteria provided, single submitter. Criteria: Invitae Variant Classification Sherloc (09022015). Collection method: clinical testing. Allele origin: germline.
Comment: This sequence change replaces aspartic acid, which is acidic and polar, with histidine, which is basic and polar, at codon 611 of the NPHP4 protein (p.Asp611His). This variant is not present in population databases (gnomAD no frequency). This variant has not been reported in the literature in individuals affected with NPHP4-related conditions. In summary, the available evidence is currently insufficient to determine the role of this variant in disease. Therefore, it has been classified as a Variant of Uncertain Significance. Algorithms developed to predict the effect of missense changes on protein structure and function are either unavailable or do not agree on the potential impact of this missense change (SIFT: "Deleterious"; PolyPhen-2: "Probably Damaging"; Align-GVGD: "Class C0").

NM_015102.5(NPHP4):c.1831G>C (p.Asp611His)

Gene: NPHP4 (nephrocystin 4; minus strand). Cytogenetic location: 1p36.31.
Variant type: single nucleotide variant.
Coding change: c.1831G>C on transcript NM_015102.5 (MANE Select); coding-DNA position 1831, G replaced by C.
Protein change: p.Asp611His; replaces aspartic acid 611 with histidine.
Molecular consequence: missense variant. On other transcripts: non-coding transcript variant (1).
Genome position (GRCh38, 1-based): chr1:5,905,416, C>G on the plus strand (G>C on the coding strand, the complement: NPHP4 is on the minus strand). VCF-style: chr1-5905416-C-G. GRCh37 (hg19) VCF-style: chr1-5965476-C-G.
Other names: c.292G>C, p.Asp98His (NM_001291593.2); c.295G>C, p.Asp99His (NM_001291594.2); short protein forms D611H, D99H, D98H.
Identifiers: ClinVar variation 2116441 (VCV002116441.4), dbSNP rs1644866434, ClinGen allele CA338054773.